The following is an entry in ClinVar:

NM_000535.7(PMS2):c.1146_1147dup (p.Asn383fs)

Gene: PMS2 (PMS1 homolog 2, mismatch repair system component; minus strand). Cytogenetic location: 7p22.1.
Variant type: Duplication.
Coding change: c.1146_1147dup on transcript NM_000535.7 (MANE Select); coding-DNA positions 1146 to 1147, 2 bases duplicated (TA; older notation c.1146_1147dupTA).
Protein change: p.Asn383fs; shifts the reading frame from asparagine 383.
Molecular consequence: frameshift variant. On other transcripts: non-coding transcript variant (1), intron variant (1).
Genome position (GRCh38, 1-based): chr7:5,987,618-5,987,619, TA duplicated on the plus strand (TA on the coding strand, the reverse complement: PMS2 is on the minus strand). VCF-style (leftmost placement, unchanged base first): chr7-5987617-T-TTA. GRCh37 (hg19) VCF-style: chr7-6027248-T-TTA.
Other names: c.213_214dup, p.Asn72fs (NM_001322012.2, NM_001322011.2); c.573_574dup, p.Asn192fs (NM_001322013.2, NM_001406909.1); c.1146_1147dup, p.Asn383fs (NM_001322014.2, NM_001406871.1, NM_001406872.1); c.837_838dup, p.Asn280fs (NM_001322015.2, NM_001406881.1, NM_001406882.1 and 5 more transcripts); c.1332_1333dup, p.Asn445fs (NM_001406866.1); c.1170_1171dup, p.Asn391fs (NM_001406868.1); c.1038_1039dup, p.Asn347fs (NM_001406869.1); c.990_991dup, p.Asn331fs (NM_001406870.1, NM_001322006.2); and 15 more; short protein forms N212fs, N228fs, N275fs, N277fs, N391fs, N196fs, N248fs, N445fs.
Identifiers: ClinVar variation 3148726 (VCV003148726.4), dbSNP rs2535844060, ClinGen allele CA2825001542.

ClinVar aggregate classification (germline): Pathogenic. Review status: criteria provided, multiple submitters, no conflicts (2 of 4 stars). 3 submissions from 3 submitters: Pathogenic (3). Last evaluated 2024-08-23.

Conditions:
Hereditary nonpolyposis colon cancer (HNPCC). Also called: Hereditary nonpolyposis colorectal cancer; Familial nonpolyposis colon cancer; Hereditary Nonpolyposis Colorectal Cancer Syndrome. Identifiers: Orphanet 443909, MedGen C1333990, MONDO:0018630. Disease mechanism: loss of function.
Hereditary nonpolyposis colorectal neoplasms. Identifiers: MedGen C0009405, MeSH D003123.
Lynch syndrome 4 (LYNCH4). Also called: Colorectal cancer, hereditary nonpolyposis, type 4; Hereditary non-polyposis colorectal cancer, type 4. Identifiers: Orphanet 144, MedGen C1838333, MONDO:0013699, OMIM 614337. Disease mechanism: loss of function.

Submissions (3):

Women's Health and Genetics/Laboratory Corporation of America, LabCorp
Classification: Pathogenic for Hereditary nonpolyposis colon cancer. Last evaluated: 2024-08-23. Review status: criteria provided, single submitter. Criteria: LabCorp Variant Classification Summary - May 2015. Collection method: clinical testing. Allele origin: germline.
Comment: Variant summary: PMS2 c.1146_1147dupTA (p.Asn383IlefsX3) results in a premature termination codon, predicted to cause a truncation of the encoded protein or absence of the protein due to nonsense mediated decay, which are commonly known mechanisms for disease. The variant was absent in 241874 control chromosomes. To our knowledge, no occurrence of c.1146_1147dupTA in individuals affected with Hereditary Nonpolyposis Colorectal Cancer and no experimental evidence demonstrating its impact on protein function have been reported. ClinVar contains an entry for this variant (Variation ID: 3148726). Based on the evidence outlined above, the variant was classified as pathogenic.

Labcorp Genetics (formerly Invitae), Labcorp
Classification: Pathogenic for Hereditary nonpolyposis colorectal neoplasms. Last evaluated: 2024-06-23. Review status: criteria provided, single submitter. Criteria: Invitae Variant Classification Sherloc (09022015). Collection method: clinical testing. Allele origin: germline.
Comment: This sequence change creates a premature translational stop signal (p.Asn383Ilefs*3) in the PMS2 gene. It is expected to result in an absent or disrupted protein product. Loss-of-function variants in PMS2 are known to be pathogenic (PMID: 21376568, 24362816). This variant is not present in population databases (gnomAD no frequency). This variant has not been reported in the literature in individuals affected with PMS2-related conditions. For these reasons, this variant has been classified as Pathogenic.

Myriad Genetics, Inc.
Classification: Pathogenic for Lynch syndrome 4. Last evaluated: 2024-03-21. Review status: criteria provided, single submitter. Criteria: Myriad Autosomal Dominant, Autosomal Recessive and X-Linked Classification Criteria (2023). Collection method: clinical testing. Allele origin: unknown.
Comment: This variant is considered pathogenic. This variant creates a frameshift predicted to result in premature protein truncation.

Literature cited by the submitters: PubMed 21376568 (cited by Labcorp Genetics (formerly Invitae), Labcorp); PubMed 24362816 (cited by Labcorp Genetics (formerly Invitae), Labcorp).